The following is an entry in ClinVar:

NM_005070.4(SLC4A3):c.3245G>A (p.Arg1082Gln)

Gene: SLC4A3 (solute carrier family 4 member 3; plus strand). Cytogenetic location: 2q35.
Variant type: single nucleotide variant.
Coding change: c.3245G>A on transcript NM_005070.4 (MANE Select); coding-DNA position 3245, G replaced by A.
Protein change: p.Arg1082Gln; replaces arginine 1082 with glutamine.
Molecular consequence: missense variant. On other transcripts: non-coding transcript variant (1).
Genome position (GRCh38, 1-based): chr2:219,639,703, G>A. VCF-style: chr2-219639703-G-A. GRCh37 (hg19) VCF-style: chr2-220504425-G-A.
Other names: c.3326G>A, p.Arg1109Gln (NM_001326559.2, NM_201574.3); c.3245G>A, p.Arg1082Gln (NM_001438863.1); c.2651G>A, p.Arg884Gln (NM_001438864.1); short protein forms R1082Q, R1109Q, R884Q.
Identifiers: ClinVar variation 4530682 (VCV004530682.1).
Genomic context (GRCh38, chr2:219,639,703, plus strand): 5'-TGATGCGTACTGCCATCGCGCCTGGTGACAAGCCCCAGATCCAGGAGGTGCGGGAGCAGC[G>A]GGTCACTGGTGTGCTCATCGCCAGCCTCGTGGGTGAGAGCCCGCCTCCACCCTGCACACC-3'
Protein context (NP_005061.3, residues 1072-1092): KPQIQEVREQ[Arg1082Gln]VTGVLIASLV

ClinVar aggregate classification (germline): Uncertain significance (1 of 4 stars; one submission).

Conditions:
Cardiomyopathy (CMYO). Also called: Cardiomyopathies. Identifiers: Orphanet 167848, MedGen C0878544, MONDO:0004994, HP:0001638. Inheritance: Various modes of inheritance.

gnomAD v4.1: 2 of 1,610,702 alleles (0.00012%); highest among the groups gnomAD compares: East Asian, 0.0022%; no homozygotes.

Submission:

Petrovsky National Research Centre of Surgery, The Federal Agency for Scientific Organizations
Classification: Uncertain significance for Cardiomyopathy. Last evaluated: 2025-11-18. Review status: criteria provided, single submitter. Criteria: ACMG Guidelines, 2015. Collection method: clinical testing. Allele origin: germline. Affected: yes. Observed: 1 variant allele.
Comment: The variant is present in The Genome Aggregation Database (gnomAD) v4.1.0 with a total MAF of 0.000001242. In accordance with ACMG (2015) criteria, this variant is classified as Variant of Uncertain Significance (Class III) with the following criteria applied: PM2_moderate, PP3_moderate.